The following is an entry in ClinVar:

ClinVar aggregate classification (germline): Benign. Review status: criteria provided, multiple submitters, no conflicts (2 of 4 stars). 6 submissions from 6 submitters: Benign (5). 1 of the submissions does not count toward it. Last evaluated 2026-02-03.

Conditions:
Early-onset progressive encephalopathy-hearing loss-pons hypoplasia-brain atrophy syndrome. Also called: ENCEPHALOPATHY, PROGRESSIVE, EARLY-ONSET, WITH BRAIN ATROPHY AND SPASTICITY. Identifiers: Orphanet 500144, MedGen C5567229, MONDO:0044696, OMIM 617669.
TRAPPC12-related disorder. Also called: TRAPPC12-related condition.

Allele frequency attached by ClinVar (database versions not stated): TOPMed 0.61729; gnomAD 0.62092; ESP Exome Variant Server 0.62125; 1000 Genomes Project 30x 0.65240; 1000 Genomes Project 0.65375.
gnomAD v4.1: 953,228 of 1,606,390 alleles (59%); highest among the groups gnomAD compares: African/African-American, 70%; 284,338 homozygotes.

Submissions (6):

Labcorp Genetics (formerly Invitae), Labcorp
Classification: Benign. Last evaluated: 2026-02-03. Review status: criteria provided, single submitter. Criteria: Invitae Variant Classification Sherloc (09022015). Collection method: clinical testing. Allele origin: germline.

Blueprint Genetics
Classification: Benign. Last evaluated: 2024-11-26. Review status: criteria provided, single submitter. Criteria: ACMG Guidelines, 2015. Collection method: clinical testing. Allele origin: germline.

Genome-Nilou Lab
Classification: Benign for Early-onset progressive encephalopathy-hearing loss-pons hypoplasia-brain atrophy syndrome. Last evaluated: 2021-09-10. Review status: criteria provided, single submitter. Criteria: ACMG Guidelines, 2015. Collection method: clinical testing. Allele origin: germline. Affected: no.

GeneDx
Classification: Benign. Last evaluated: 2020-12-07. Review status: criteria provided, single submitter. Criteria: GeneDx Variant Classification Process June 2021. Collection method: clinical testing. Allele origin: germline. Affected: yes.

Breakthrough Genomics
Classification: Benign. Review status: criteria provided, single submitter. Criteria: ACMG Guidelines, 2015. Collection method: not provided. Allele origin: germline. Inheritance: Autosomal recessive inheritance. Affected: yes.

PreventionGenetics, part of Exact Sciences
Classification: Benign for TRAPPC12-related condition. Last evaluated: 2019-10-18. Review status: no assertion criteria provided. Collection method: clinical testing. Allele origin: germline. Not counted in ClinVar's aggregate classification.
Comment: This variant is classified as benign based on ACMG/AMP sequence variant interpretation guidelines (Richards et al. 2015 PMID: 25741868, with internal and published modifications).

NM_016030.6(TRAPPC12):c.681T>C (p.Phe227=)

Gene: TRAPPC12 (trafficking protein particle complex subunit 12; plus strand). Cytogenetic location: 2p25.3.
Variant type: single nucleotide variant.
Coding change: c.681T>C on transcript NM_016030.6 (MANE Select); coding-DNA position 681, T replaced by C.
Protein change: p.Phe227=; no amino-acid change (phenylalanine 227 retained).
Molecular consequence: synonymous variant.
Genome position (GRCh38, 1-based): chr2:3,388,304, T>C. VCF-style: chr2-3388304-T-C. GRCh37 (hg19) VCF-style: chr2-3392075-T-C.
Other names: c.681T>C, p.Phe227= (NM_001321102.2).
Identifiers: ClinVar variation 1282559 (VCV001282559.16), dbSNP rs10865541, ClinGen allele CA1515141.